The following is an entry in ClinVar:

NM_001385408.1(NBPF15):c.1125T>C (p.Cys375=)

Gene: NBPF15 (NBPF member 15; minus strand). Cytogenetic location: 1q21.1.
Variant type: single nucleotide variant.
Coding change: c.1125T>C on transcript NM_001385408.1 (MANE Select); coding-DNA position 1125, T replaced by C.
Protein change: p.Cys375=; no amino-acid change (cysteine 375 retained).
Molecular consequence: synonymous variant. On other transcripts: intron variant (2).
Genome position (GRCh38, 1-based): chr1:144,427,906, A>G on the plus strand (T>C on the coding strand, the complement: NBPF15 is on the minus strand). VCF-style: chr1-144427906-A-G. GRCh37 (hg19) VCF-style: chr1-148589745-T-C.
Other names: c.1125T>C, p.Cys375= (NM_001385421.1, NM_001385422.1, NM_001385423.1 and 43 more transcripts); c.1014T>C, p.Cys338= (NM_001385442.1, NM_001385443.1, NM_001385444.1 and 1 more transcripts); c.1209T>C, p.Cys403= (NM_001385448.1); c.1040+700T>C (NM_001385447.1, NM_001385446.1).
Identifiers: ClinVar variation 3388848 (VCV003388848.14).

ClinVar aggregate classification (germline): Likely benign (1 of 4 stars; one submission).

Submission:

CeGaT Center for Human Genetics Tuebingen
Classification: Likely benign. Last evaluated: 2026-10-01. Review status: criteria provided, single submitter. Criteria: CeGaT Center For Human Genetics Tuebingen Variant Classification Criteria Version 2. Collection method: clinical testing. Allele origin: germline. Affected: yes. Observed: 7 variant alleles.
Comment: NBPF15: BP4, BP7